The following continues an entry in ClinVar:

NM_000243.3(MEFV):c.2080A>G (p.Met694Val)

ClinVar aggregate classification (germline): Pathogenic/Likely pathogenic. Pathogenic (49); Likely pathogenic (2).

Submissions 39 to 55 of 61:

Myriad Genetics, Inc.
Classification: Pathogenic for Familial Mediterranean fever. Last evaluated: 2019-10-18. Review status: criteria provided, single submitter. Criteria: Myriad Women's Health Autosomal Recessive and X-Linked Classification Criteria (2019). Collection method: clinical testing. Allele origin: unknown.
Comment: NM_000243.2(MEFV):c.2080A>G(M694V, aka MED) is classified as pathogenic in the context of familial Mediterranean fever. In the absence of a known personal and/or family history of inflammatory disease, the clinical significance of MEFV variant status is uncertain. Sources cited for classification include the following: PMID 10364520, 11464248, 23907647, 23334425, 16785446. Classification of NM_000243.2(MEFV):c.2080A>G(M694V) is based on the following criteria: This is a well-established pathogenic variant in the literature that has been observed more frequently in patients with clinical diagnoses than in healthy populations. Please note: this variant was assessed in the context of healthy population screening.

Hadassah Hebrew University Medical Center
Classification: Pathogenic for Familial Mediterranean fever. Last evaluated: 2019-06-20. Review status: criteria provided, single submitter. Criteria: ACMG Guidelines, 2015. Collection method: clinical testing. Allele origin: germline. Affected: yes.

Center for Personalized Medicine, Children's Hospital Los Angeles
Classification: Pathogenic. Last evaluated: 2018-11-19. Review status: criteria provided, single submitter. Criteria: ACMG Guidelines, 2015. Collection method: clinical testing. Allele origin: germline. Affected: yes.

Fulgent Genetics
Classification: Pathogenic for Familial Mediterranean fever, autosomal dominant; Familial Mediterranean fever. Last evaluated: 2018-10-31. Review status: criteria provided, single submitter. Criteria: ACMG Guidelines, 2015. Collection method: clinical testing. Allele origin: unknown.

SIB Swiss Institute of Bioinformatics
Classification: Likely pathogenic for Familial Mediterranean fever. Last evaluated: 2018-05-31. Review status: criteria provided, single submitter. Criteria: ACMG Guidelines, 2015. Collection method: curation. Allele origin: unknown.
Comment: This variant is interpreted as a Likely Pathogenic, for Familial mediterranean fever, in Autosomal Recessive manner. The following ACMG Tag(s) were applied: PM1 => Located in a mutational hot spot and/or critical and well-established functional domain (e.g., active site of an enzyme) without benign variation. PS3 => Well-established functional studies show a deleterious effect (PMID:24318677). PM2 => Present in Exome Aggregation Consortium with allele frequency compatible with disease prevalence. According to Genetics Home Reference, Familial Mediterranean fever primarily affects populations originating in the Mediterranean region, particularly people of Armenian, Arab, Turkish, or Jewish ancestry. The disorder affects 1 in 200 to 1,000 people in these populations. It is less common in other populations.

Ambry Genetics
Classification: Pathogenic for Inborn genetic diseases. Last evaluated: 2018-02-06. Review status: criteria provided, single submitter. Criteria: Ambry Variant Classification Scheme 2023. Collection method: clinical testing. Allele origin: germline.
Comment: The p.M694V pathogenic mutation (also known as c.2080A>G), located in coding exon 10 of the MEFV gene, results from an A to G substitution at nucleotide position 2080. The methionine at codon 694 is replaced by valine, an amino acid with highly similar properties. This is one of the most common mutations in individuals with familial Mediterranean fever (FMF), particularly among individuals of North African Jewish descent. In addition, homozygosity of the p.M694V mutation is associated with a severe phenotype and 6-fold higher risk of amyloidosis compared with other genotypes (The International FMF Consortium. Cell, 1997 Aug;90:797-807; Gershoni-Baruch R et al. Eur. J. Hum. Genet., 2002 Feb;10:145-9; Kasifoglu T et al. Rheumatology (Oxford), 2014 Apr;53:741-5). Based on the supporting evidence, this alteration is interpreted as a disease-causing mutation.

Eurofins Ntd Llc (ga)
Classification: Pathogenic. Last evaluated: 2016-08-19. Review status: criteria provided, single submitter. Criteria: EGL Classification Definitions 2015. Collection method: clinical testing. Allele origin: germline. Observed: 2 variant alleles, 1 heterozygote, 1 homozygote.

Center for Pediatric Genomic Medicine, Children's Mercy Hospital and Clinics
Classification: Pathogenic. Last evaluated: 2014-11-24. Review status: criteria provided, single submitter. Criteria: ACMG Guidelines, 2015. Collection method: clinical testing. Allele origin: germline.

Clinical Genetics and Genomics, Karolinska University Hospital
Classification: Pathogenic. Last evaluated: 2014-07-28. Review status: criteria provided, single submitter. Criteria: ACMG Guidelines, 2015. Collection method: clinical testing. Allele origin: germline. Affected: yes. Observed: 91 variant alleles.

Women's Health and Genetics/Laboratory Corporation of America, LabCorp
Classification: Pathogenic for Familial Mediterranean Fever. Last evaluated: 2011-08-18. Review status: criteria provided, single submitter. Criteria: LabCorp Variant Classification Summary - May 2015. Collection method: curation, clinical testing. Allele origin: germline. Inheritance: autosomal recessive. Affected: yes. Observed: 10 variant alleles.
ClinVar note: Converted during submission from pathogenic to Pathogenic.

Center for Genomics, Ann and Robert H. Lurie Children's Hospital of Chicago
Classification: Pathogenic for Familial Mediterranean fever, autosomal dominant; Familial Mediterranean fever. Review status: criteria provided, single submitter. Criteria: ACMG Guidelines, 2015. Collection method: clinical testing. Allele origin: germline.
Comment: MEFV NM_000243.2 exon 10 p.Met694Val (c.2080A>G): This variant is one of the most common pathogenic variants for Familial Mediterranean Fever (FMF). This variant has been reported in several publications in individuals with FMF in the homozygous, heterozygous and compound heterozygous state, including a Genereviews entry describing this variant as disease causing (Selected Publications: International FMF Consortium 1997 PMID:8288758, Barut 2018 PMID:28828621, Kriegshauser 2018 PMID:29543225). This variant is present in 0.01% (12/68010) of European alleles in the Genome Aggregation Database. Please note, disease causing variants may be present in control databases at low frequencies, reflective of the general population, carrier status and/or variable expressivity. This variant is present in ClinVar, with several labs classifying this variant as pathogenic (Variation ID:2538). In summary, this variant is classified as pathogenic based on the data above.

Kariminejad - Najmabadi Pathology & Genetics Center
Classification: Pathogenic for Familial Mediterranean fever. Review status: criteria provided, single submitter. Criteria: ACMG Guidelines, 2015. Collection method: clinical testing. Allele origin: germline. Affected: no.

Neuberg Centre For Genomic Medicine, NCGM
Classification: Pathogenic for Familial Mediterranean fever. Review status: criteria provided, single submitter. Criteria: ACMG Guidelines, 2015. Collection method: clinical testing. Allele origin: germline. Inheritance: Autosomal recessive inheritance. Affected: yes.
Comment: The observed missense variant c.2080A>G (p.Met694Val) in MEFV gene has been reported previously in multiple individuals in both homozygous and compound heterozygous state in individuals affected with familial mediterranean fever (Grossman et al. 2018). Functional studies of this variant have shown impaired pyrin (encoded by the MEFV gene) function (Sugiyama et al. 2014). Exon 10 is a hotspot region for variants in MEFV gene causing familial mediterranean fever (Grossman et al. 2018). The p.Met694Val variant is present with an allele frequency of 0.03% (71 heterozygotes; 1 homozygote) in the gnomAD exomes database. This variant has been submitted to the ClinVar database as Likely Pathogenic / Pathogenic (multiple submissions). The amino acid change p.Met694Val in MEFV is predicted as conserved by GERP++ and PhyloP across 100 vertebrates. The amino acid Met at position 694 is changed to a Val changing protein sequence and it might alter its composition and physico-chemical properties. For these reasons, this variant has been classified as Pathogenic.

Zotz-Klimas Genetics Lab, MVZ Zotz Klimas
Classification: Pathogenic for Familial Mediterranean fever, autosomal dominant. Last evaluated: 2023-10-09. Review status: no assertion criteria provided. Collection method: clinical testing. Allele origin: germline. Affected: yes. Not counted in ClinVar's aggregate classification.

Biochemical Molecular Genetic Laboratory, King Abdulaziz Medical City
Classification: Pathogenic for Familial Mediterranean fever, autosomal dominant. Last evaluated: 2020-02-05. Review status: no assertion criteria provided. Collection method: clinical testing. Allele origin: germline. Affected: yes. Not counted in ClinVar's aggregate classification.

OMIM
Classification: Pathogenic for FAMILIAL MEDITERRANEAN FEVER. Last evaluated: 2010-01-01. Review status: no assertion criteria provided. Collection method: literature only. Allele origin: germline. Not counted in ClinVar's aggregate classification.

Clinical Genetics DNA and cytogenetics Diagnostics Lab, Erasmus MC, Erasmus Medical Center
Classification: Pathogenic. Review status: no assertion criteria provided. Collection method: clinical testing. Allele origin: germline. Affected: yes. Study: VKGL Data-share Consensus. Not counted in ClinVar's aggregate classification.